The following is an entry in ClinVar:

ClinVar aggregate classification (germline): Benign. Review status: criteria provided, multiple submitters, no conflicts (2 of 4 stars). 2 submissions from 2 submitters: Benign (2). Last evaluated 2018-06-16.

Allele frequency attached by ClinVar (database versions not stated): ExAC 0.03404; 1000 Genomes Project 0.05851; gnomAD 0.06688 and 0.07015; TOPMed 0.07426; ESP Exome Variant Server 0.07864.
gnomAD v4.1: 28,969 of 1,525,818 alleles (1.9%); highest among the groups gnomAD compares: African/African-American, 12%; 1,154 homozygotes.

Submissions (2):

GeneDx
Classification: Benign. Last evaluated: 2018-06-16. Review status: criteria provided, single submitter. Criteria: GeneDx Variant Classification (06012015). Collection method: clinical testing. Allele origin: germline. Affected: yes.
Comment: This variant is considered likely benign or benign based on one or more of the following criteria: it is a conservative change, it occurs at a poorly conserved position in the protein, it is predicted to be benign by multiple in silico algorithms, and/or has population frequency not consistent with disease.

Breakthrough Genomics
Classification: Benign. Review status: criteria provided, single submitter. Criteria: ACMG Guidelines, 2015. Collection method: not provided. Allele origin: germline. Inheritance: Autosomal recessive inheritance. Affected: yes.

NM_001128159.3(VPS53):c.608+46G>T

Gene: VPS53 (VPS53 subunit of GARP complex; minus strand). Cytogenetic location: 17p13.3.
Variant type: single nucleotide variant.
Coding change: c.608+46G>T on transcript NM_001128159.3 (MANE Select); 46 bases into the intron after coding-DNA position 608, G replaced by T.
Molecular consequence: intron variant.
Genome position (GRCh38, 1-based): chr17:653,245, C>A on the plus strand (G>T on the coding strand, the complement: VPS53 is on the minus strand). VCF-style: chr17-653245-C-A. GRCh37 (hg19) VCF-style: chr17-556485-C-A.
Other names: c.521+46G>T (NM_018289.4); c.608+46G>T (NM_001366253.2); c.-85+46G>T (NM_001366254.2).
Identifiers: ClinVar variation 672300 (VCV000672300.2), dbSNP rs60631479, ClinGen allele CA8261704.
Genomic context (GRCh38, chr17:653,245, plus strand): 5'-GGATCTGCGGAATCCCCATATACTTTCCCTCTGGTGACAGTTTACCTTTCGGAAAGCTGC[C>A]GGATCTGCGGAATCCCCATATACTTTCCCTCTGGTGACAGTTTACCTTTCGGAAAGCTGC-3'